The following is an entry in ClinVar:

ClinVar aggregate classification (germline): Uncertain significance (1 of 4 stars; one submission).

Allele frequency attached by ClinVar (database versions not stated): gnomAD exomes below 0.00001.
gnomAD v4.1: 6 of 1,613,788 alleles (0.00037%); highest among the groups gnomAD compares: Non-Finnish European, 0.00051%; no homozygotes.

Submission:

Labcorp Genetics (formerly Invitae), Labcorp
Classification: Uncertain significance. Last evaluated: 2022-09-27. Review status: criteria provided, single submitter. Criteria: Invitae Variant Classification Sherloc (09022015). Collection method: clinical testing. Allele origin: germline.
Comment: In summary, the available evidence is currently insufficient to determine the role of this variant in disease. Therefore, it has been classified as a Variant of Uncertain Significance. Variants that disrupt the consensus splice site are a relatively common cause of aberrant splicing (PMID: 17576681, 9536098). Algorithms developed to predict the effect of sequence changes on RNA splicing suggest that this variant is not likely to affect RNA splicing. ClinVar contains an entry for this variant (Variation ID: 1525415). This variant has not been reported in the literature in individuals affected with PDE6B-related conditions. This variant is present in population databases (no rsID available, gnomAD 0.0009%). This sequence change falls in intron 4 of the PDE6B gene. It does not directly change the encoded amino acid sequence of the PDE6B protein. It affects a nucleotide within the consensus splice site.

Literature cited by the submitters: PubMed 17576681; PubMed 9536098.

NM_000283.4(PDE6B):c.852+6G>T

Genes: PDE6B (phosphodiesterase 6B; plus strand), PDE6B-AS1 (PDE6B antisense RNA 1; minus strand). Cytogenetic location: 4p16.3.
Variant type: single nucleotide variant.
Coding change: c.852+6G>T on transcript NM_000283.4 (MANE Select); 6 bases into the intron after coding-DNA position 852, G replaced by T.
Molecular consequence: intron variant.
Genome position (GRCh38, 1-based): chr4:653,998, G>T. VCF-style: chr4-653998-G-T. GRCh37 (hg19) VCF-style: chr4-647787-G-T.
Other names: c.852+6G>T (NM_001145291.2); c.15+6G>T (NM_001379246.1, NM_001379247.1, NM_001145292.2 and 1 more transcripts); c.-189+6G>T (NM_001350155.3).
Identifiers: ClinVar variation 1525415 (VCV001525415.6), dbSNP rs1416587355, ClinGen allele CA549263328.
Genomic context (GRCh38, chr4:653,998, plus strand): 5'-CTACCTCAACTGCGAGCGGTACTCCGTGGGCCTCCTGGACATGACCAAGGAGAAGGTGAG[G>T]CTTCCGTGGCTCAGGGACCCCCTGCCTGGCCCGACCCAGGTCCCGCAGTGACCGCCCCAC-3'